The following is an entry in ClinVar:

ClinVar aggregate classification (germline): Uncertain significance. Review status: criteria provided, multiple submitters, no conflicts (2 of 4 stars). 2 submissions from 2 submitters: Uncertain significance (2). Last evaluated 2026-01-20.

Conditions:
RASopathy. Also called: rasopathies; Noonan spectrum disorder. Identifiers: Orphanet 536391, MedGen C5555857, MONDO:0021060.
Cardiovascular phenotype. Identifiers: MedGen CN230736.

Submissions (2):

Ambry Genetics
Classification: Uncertain significance for Cardiovascular phenotype. Last evaluated: 2026-01-20. Review status: criteria provided, single submitter. Criteria: Ambry Variant Classification Scheme 2023. Collection method: clinical testing. Allele origin: germline.
Comment: The p.K324Q variant (also known as c.970A>C), located in coding exon 9 of the PTPN11 gene, results from an A to C substitution at nucleotide position 970. The lysine at codon 324 is replaced by glutamine, an amino acid with similar properties. This amino acid position is conserved. In addition, the in silico prediction for this alteration is inconclusive. Based on the available evidence, the clinical significance of this variant remains unclear.

Labcorp Genetics (formerly Invitae), Labcorp
Classification: Uncertain significance for RASopathy. Last evaluated: 2025-03-19. Review status: criteria provided, single submitter. Criteria: Invitae Variant Classification Sherloc (09022015). Collection method: clinical testing. Allele origin: germline.
Comment: This sequence change replaces lysine, which is basic and polar, with glutamine, which is neutral and polar, at codon 324 of the PTPN11 protein (p.Lys324Gln). This variant is not present in population databases (gnomAD no frequency). This variant has not been reported in the literature in individuals affected with PTPN11-related conditions. Invitae Evidence Modeling of protein sequence and biophysical properties (such as structural, functional, and spatial information, amino acid conservation, physicochemical variation, residue mobility, and thermodynamic stability) indicates that this missense variant is not expected to disrupt PTPN11 protein function with a negative predictive value of 80%. In summary, the available evidence is currently insufficient to determine the role of this variant in disease. Therefore, it has been classified as a Variant of Uncertain Significance.

NM_002834.5(PTPN11):c.970A>C (p.Lys324Gln)

Gene: PTPN11 (protein tyrosine phosphatase non-receptor type 11; plus strand). Cytogenetic location: 12q24.13.
Variant type: single nucleotide variant.
Coding change: c.970A>C on transcript NM_002834.5 (MANE Select); coding-DNA position 970, A replaced by C.
Protein change: p.Lys324Gln; replaces lysine 324 with glutamine.
Molecular consequence: missense variant.
Genome position (GRCh38, 1-based): chr12:112,477,893, A>C. VCF-style: chr12-112477893-A-C. GRCh37 (hg19) VCF-style: chr12-112915697-A-C.
Other names: c.970A>C, p.Lys324Gln (NM_001330437.2, NM_080601.3); c.967A>C, p.Lys323Gln (NM_001374625.1); short protein forms K323Q, K324Q.
Identifiers: ClinVar variation 4706972 (VCV004706972.2).